The following is an entry in ClinVar:

NM_133261.3(GIPC3):c.*563G>T

Gene: GIPC3 (GIPC PDZ domain containing family member 3; plus strand). Cytogenetic location: 19p13.3.
Variant type: single nucleotide variant.
Coding change: c.*563G>T on transcript NM_133261.3 (MANE Select); 563 bases downstream of the stop codon, G replaced by T.
Molecular consequence: 3 prime UTR variant. On other transcripts: missense variant (1).
Genome position (GRCh38, 1-based): chr19:3,590,753, G>T. VCF-style: chr19-3590753-G-T. GRCh37 (hg19) VCF-style: chr19-3590751-G-T.
Other names: c.1515G>T, p.Met505Ile (NM_001411144.1); short protein forms M505I.
Identifiers: ClinVar variation 2571026 (VCV002571026.27), dbSNP rs2512428968, ClinGen allele CA2580613023.

ClinVar aggregate classification (germline): Uncertain significance (1 of 4 stars; one submission).

Submission:

CeGaT Center for Human Genetics Tuebingen
Classification: Uncertain significance. Last evaluated: 2023-04-01. Review status: criteria provided, single submitter. Criteria: CeGaT Center For Human Genetics Tuebingen Variant Classification Criteria Version 2. Collection method: clinical testing. Allele origin: germline. Affected: yes. Observed: 1 variant allele.
Comment: GIPC3: PM2